The following is an entry in ClinVar:

ClinVar aggregate classification (germline): Uncertain significance (1 of 4 stars; one submission).

Submission:

Labcorp Genetics (formerly Invitae), Labcorp
Classification: Uncertain significance. Last evaluated: 2021-05-25. Review status: criteria provided, single submitter. Criteria: Invitae Variant Classification Sherloc (09022015). Collection method: clinical testing. Allele origin: germline.
Comment: In summary, the available evidence is currently insufficient to determine the role of this variant in disease. Therefore, it has been classified as a Variant of Uncertain Significance. Experimental studies and prediction algorithms are not available or were not evaluated, and the functional significance of this variant is currently unknown. This variant has not been reported in the literature in individuals with PTH1R-related conditions. This variant is not present in population databases (ExAC no frequency). This variant, c.944_946del, results in the deletion of 1 amino acid(s) of the PTH1R protein (p.Phe315del), but otherwise preserves the integrity of the reading frame.

NM_000316.3(PTH1R):c.941TCT[1] (p.Phe315del)

Gene: PTH1R (parathyroid hormone 1 receptor; plus strand). Cytogenetic location: 3p21.31.
Variant type: Microsatellite.
Coding change: c.941TCT[1] on transcript NM_000316.3 (MANE Select); one copy of the 3-base unit TCT starting at c.941; the reference has two copies in a row; one copy, 3 bases deleted.
Protein change: p.Phe315del; deletes phenylalanine 315.
Molecular consequence: inframe deletion.
Genome position (GRCh38, 1-based): chr3:46,899,412-46,899,414, TCT deleted; deleting any 3 consecutive bases within chr3:46,899,407-46,899,414 gives the same sequence; the position shown is the placement nearest the transcript's 3' end. VCF-style (leftmost placement, unchanged base first): chr3-46899406-CCTT-C. GRCh37 (hg19) VCF-style: chr3-46940896-CCTT-C.
Other names: c.941TCT[1], p.Phe315del (NM_001184744.1); short protein forms F315del.
Identifiers: ClinVar variation 1461617 (VCV001461617.8), dbSNP rs2031978905, ClinGen allele CA1047538187.